The following is an entry in ClinVar:

NM_002457.5(MUC2):c.14665C>T (p.Pro4889Ser)

Gene: MUC2 (mucin 2, oligomeric mucus/gel-forming; plus strand). Cytogenetic location: 11p15.5.
Variant type: single nucleotide variant.
Coding change: c.14665C>T on transcript NM_002457.5 (MANE Select); coding-DNA position 14665, C replaced by T.
Protein change: p.Pro4889Ser; replaces proline 4889 with serine.
Molecular consequence: missense variant.
Genome position (GRCh38, 1-based): chr11:1,108,182, C>T. VCF-style: chr11-1108182-C-T. GRCh37 (hg19) VCF-style: chr11-1102090-C-T.
Other names: short protein forms P4889S, P5048S.
Identifiers: ClinVar variation 2641160 (VCV002641160.24), dbSNP rs72655352, ClinGen allele CA5801338.

ClinVar aggregate classification (germline): Likely benign (1 of 4 stars; one submission).

Allele frequency attached by ClinVar (database versions not stated): 1000 Genomes Project 30x 0.00172; gnomAD 0.00178; 1000 Genomes Project 0.00180; ExAC 0.00195; gnomAD exomes 0.00219; TOPMed 0.00235; ESP Exome Variant Server 0.00243.

Submission:

CeGaT Center for Human Genetics Tuebingen
Classification: Likely benign. Last evaluated: 2023-03-01. Review status: criteria provided, single submitter. Criteria: CeGaT Center For Human Genetics Tuebingen Variant Classification Criteria Version 2. Collection method: clinical testing. Allele origin: germline. Affected: yes. Observed: 1 variant allele.
Comment: MUC2: BS2